The following is an entry in ClinVar:

ClinVar aggregate classification (germline): Uncertain significance. Review status: criteria provided, multiple submitters, no conflicts (2 of 4 stars). 2 submissions from 2 submitters: Uncertain significance (2). Last evaluated 2026-01-26.

Conditions:
Hereditary cancer-predisposing syndrome. Also called: Hereditary Cancer Syndrome; Neoplastic Syndromes, Hereditary; Hereditary neoplastic syndrome; Tumor predisposition. Identifiers: Orphanet 140162, MedGen C0027672, MeSH D009386, MONDO:0015356.

Allele frequency attached by ClinVar (database versions not stated): ExAC 0.00001; gnomAD exomes 0.00001 and 0.00008; gnomAD 0.00003 and 0.00004; TOPMed 0.00004.

Submissions (2):

Labcorp Genetics (formerly Invitae), Labcorp
Classification: Uncertain significance for Hereditary cancer-predisposing syndrome. Last evaluated: 2026-01-26. Review status: criteria provided, single submitter. Criteria: Invitae Variant Classification Sherloc (09022015). Collection method: clinical testing. Allele origin: germline.
Comment: This sequence change replaces methionine, which is neutral and non-polar, with valine, which is neutral and non-polar, at codon 1107 of the RAD50 protein (p.Met1107Val). This variant is present in population databases (rs587782508, gnomAD 0.002%). This variant has not been reported in the literature in individuals affected with RAD50-related conditions. ClinVar contains an entry for this variant (Variation ID: 142506). Invitae Evidence Modeling of protein sequence and biophysical properties (such as structural, functional, and spatial information, amino acid conservation, physicochemical variation, residue mobility, and thermodynamic stability) indicates that this missense variant is not expected to disrupt RAD50 protein function with a negative predictive value of 80%. In summary, the available evidence is currently insufficient to determine the role of this variant in disease. Therefore, it has been classified as a Variant of Uncertain Significance.

Ambry Genetics
Classification: Uncertain significance for Hereditary cancer-predisposing syndrome. Last evaluated: 2024-01-05. Review status: criteria provided, single submitter. Criteria: Ambry Variant Classification Scheme 2023. Collection method: clinical testing. Allele origin: germline.
Comment: The p.M1107V variant (also known as c.3319A>G), located in coding exon 21 of the RAD50 gene, results from an A to G substitution at nucleotide position 3319. The methionine at codon 1107 is replaced by valine, an amino acid with highly similar properties. This amino acid position is well conserved in available vertebrate species. In addition, the in silico prediction for this alteration is inconclusive. Since supporting evidence is limited at this time, the clinical significance of this alteration remains unclear.

NM_005732.4(RAD50):c.3319A>G (p.Met1107Val)

Gene: RAD50 (RAD50 double strand break repair protein; plus strand). Cytogenetic location: 5q31.1.
Variant type: single nucleotide variant.
Coding change: c.3319A>G on transcript NM_005732.4 (MANE Select); coding-DNA position 3319, A replaced by G.
Protein change: p.Met1107Val; replaces methionine 1107 with valine.
Molecular consequence: missense variant.
Genome position (GRCh38, 1-based): chr5:132,618,224, A>G. VCF-style: chr5-132618224-A-G. GRCh37 (hg19) VCF-style: chr5-131953916-A-G.
Other names: short protein forms M1107V.
Identifiers: ClinVar variation 142506 (VCV000142506.14), dbSNP rs587782508, ClinGen allele CA168543.
Genomic context (GRCh38, chr5:132,618,224, plus strand): 5'-CATTTTAAGAAAGAACTTCGAGAACCACAATTTCGGGATGCTGAGGAAAAGTATAGAGAA[A>G]TGATGATTGTTATGAGGACAACAGAACTTGTGAACAAGGATCTGGATATTTATTATAAGA-3'
Protein context (NP_005723.2, residues 1097-1117): FRDAEEKYRE[Met1107Val]MIVMRTTELV